The following is an entry in ClinVar:

NM_001267550.2(TTN):c.45316_45320dup (p.Arg15108fs)

Genes: TTN (titin; minus strand), LOC126806427 (BRD4-independent group 4 enhancer GRCh37_chr2:179485777-179486976; plus strand). Cytogenetic location: 2q31.2.
Variant type: Duplication.
Coding change: c.45316_45320dup on transcript NM_001267550.2 (MANE Select); coding-DNA positions 45316 to 45320, 5 bases duplicated (AGCTC; older notation c.45316_45320dupAGCTC).
Protein change: p.Arg15108fs; shifts the reading frame from arginine 15108.
Molecular consequence: frameshift variant.
Genome position (GRCh38, 1-based): chr2:178,621,504-178,621,508, GAGCT duplicated on the plus strand (AGCTC on the coding strand, the reverse complement: TTN is on the minus strand). VCF-style (leftmost placement, unchanged base first): chr2-178621503-A-AGAGCT. GRCh37 (hg19) VCF-style: chr2-179486230-A-AGAGCT.
Other names: c.40393_40397dupAGCTC (NM_001256850.1); c.18121_18125dupAGCTC (NM_003319.4); c.45316_45320dup (NM_001267550.1); c.40393_40397dup, p.Arg13467fs (NM_001256850.1); c.18121_18125dup, p.Arg6043fs (NM_003319.4); c.37612_37616dup, p.Arg12540fs (NM_133378.4); c.18496_18500dup, p.Arg6168fs (NM_133432.3); c.18697_18701dup, p.Arg6235fs (NM_133437.4); short protein forms R12540fs, R13467fs, R6043fs, R15108fs, R6168fs, R6235fs.
Identifiers: ClinVar variation 202537 (VCV000202537.19), dbSNP rs794729390, ClinGen allele CA309541.

ClinVar aggregate classification (germline): Pathogenic/Likely pathogenic. Review status: criteria provided, multiple submitters, no conflicts (2 of 4 stars). 4 submissions from 4 submitters: Pathogenic (1); Likely pathogenic (3). Last evaluated 2026-01-31.

Conditions:
Cardiovascular phenotype. Identifiers: MedGen CN230736.
Dilated cardiomyopathy 1G (CMD1G). Identifiers: Orphanet 154, MedGen C1858763, MONDO:0011400, OMIM 604145.
Autosomal recessive limb-girdle muscular dystrophy type 2J (LGMDR10). Also called: MUSCULAR DYSTROPHY, LIMB-GIRDLE, AUTOSOMAL RECESSIVE 10; Limb-girdle muscular dystrophy, type 2J. Identifiers: Orphanet 140922, MedGen C1837342, MONDO:0012127, OMIM 608807.
Left ventricular noncompaction 2. Also called: LVNC2. Identifiers: Orphanet 54260, MedGen C1836118, MONDO:0012285, OMIM 609470.

Allele frequency attached by ClinVar (database versions not stated): gnomAD exomes below 0.00001.

Submissions (4):

Labcorp Genetics (formerly Invitae), Labcorp
Classification: Likely pathogenic for Dilated cardiomyopathy 1G; Autosomal recessive limb-girdle muscular dystrophy type 2J. Last evaluated: 2026-01-31. Review status: criteria provided, single submitter. Criteria: Invitae Variant Classification Sherloc (09022015). Collection method: clinical testing. Allele origin: germline.
Comment: This sequence change creates a premature translational stop signal (p.Arg15108Alafs*71) in the TTN gene. While this is not anticipated to result in nonsense mediated decay, it is expected to create a truncated TTN protein. This variant is not present in population databases (gnomAD no frequency). This variant has not been observed in the literature in individuals with autosomal recessive TTN-related conditions. This variant has been reported in individual(s) with clinical features of dilated cardiomyopathy (PMID: 32815318); however, the role of the variant in this condition is currently unclear. ClinVar contains an entry for this variant (Variation ID: 202537). This variant is located in the I band of TTN (PMID: 25589632). Truncating variants in this region have been reported in individuals affected with autosomal recessive centronuclear myopathy (PMID: 23975875, internal data). Truncating variants in this region have also been identified in individuals affected with autosomal dominant dilated cardiomyopathy and/or cardio-related conditions (PMID: 27869827, 32964742, internal data). In summary, the currently available evidence indicates that the variant is pathogenic, but additional data are needed to prove that conclusively. Therefore, this variant has been classified as Likely Pathogenic.

Ambry Genetics
Classification: Likely pathogenic for Cardiovascular phenotype. Last evaluated: 2024-07-03. Review status: criteria provided, single submitter. Criteria: Ambry Variant Classification Scheme 2023. Collection method: clinical testing. Allele origin: germline.
Comment: The c.18121_18125dupAGCTC variant, located in coding exon 72 of the TTN gene, results from a duplication of AGCTC at nucleotide position 18121, causing a translational frameshift with a predicted alternate stop codon (p.R6043Afs*71). This exon is located in the I-band region of the N2-B isoform of the titin protein and is constitutively expressed in TTN transcripts (percent spliced in or PSI 100%). This alteration is expected to result in loss of function by premature protein truncation or nonsense-mediated mRNA decay. While truncating variants in TTN are present in 1-3% of the general population, truncating variants in the A-band are the most common cause of dilated cardiomyopathy (DCM) (Herman DS et al. N. Engl. J. Med., 2012 Feb;366:619-28; Roberts AM et al. Sci Transl Med, 2015 Jan;7:270ra6). TTN truncating variants encoded in constitutive exons (PSI >90%) have been found to be significantly associated with DCM regardless of their position in titin (Schafer S et al. Nat. Genet., 2017 01;49:46-53). This variant is considered to be rare based on population cohorts in the Genome Aggregation Database (gnomAD). Based on the majority of available evidence to date, this variant is likely to be pathogenic.

GeneDx
Classification: Pathogenic. Last evaluated: 2023-04-10. Review status: criteria provided, single submitter. Criteria: GeneDx Variant Classification Process June 2021. Collection method: clinical testing. Allele origin: germline. Affected: yes.
Comment: Has not been previously published as pathogenic or benign in a peer-reviewed publication to our knowledge; Not observed at significant frequency in large population cohorts (gnomAD); Frameshift variant predicted to result in protein truncation or nonsense mediated decay in a gene for which loss-of-function is a known mechanism of disease; Located in a region of TTN within the I-band in which the majority of loss of function variants are significantly associated with autosomal dominant titinopathies (Deo et al., 2016; Schafer et al., 2017); This variant is associated with the following publications: (PMID: 27625338, 27869827)

Baylor Genetics
Classification: Likely pathogenic for Left ventricular noncompaction 2. Last evaluated: 2022-08-22. Review status: criteria provided, single submitter. Criteria: ACMG Guidelines, 2015. Collection method: clinical testing. Allele origin: unknown.

Literature cited by the submitters: PubMed 32815318 (cited by Labcorp Genetics (formerly Invitae), Labcorp); PubMed 25589632 (cited by Labcorp Genetics (formerly Invitae), Labcorp); PubMed 23975875 (cited by Labcorp Genetics (formerly Invitae), Labcorp); PubMed 27869827 (cited by Labcorp Genetics (formerly Invitae), Labcorp); PubMed 32964742 (cited by Labcorp Genetics (formerly Invitae), Labcorp).